The following is an entry in ClinVar:

ClinVar aggregate classification (germline): Pathogenic. Review status: criteria provided, multiple submitters, no conflicts (2 of 4 stars). 2 submissions from 2 submitters: Pathogenic (2). Last evaluated 2026-04-14.

Conditions:
Familial intrahepatic cholestasis. Identifiers: Orphanet 284385, MedGen CN296401, MONDO:0017290.

Submissions (2):

Genomenon, Inc
Classification: Pathogenic for Familial intrahepatic cholestasis. Last evaluated: 2026-04-14. Review status: criteria provided, single submitter. Criteria: Genomenon Sequence Variant Interpretation Standards - Updated. Collection method: curation. Allele origin: germline. Affected: yes.
Comment: ABCB11 p.Gln875Ter (c.2623C>T) is a nonsense variant that introduces a premature stop codon at amino acid position 875, creating a truncated protein that is predicted to undergo nonsense-mediated mRNA decay. This variant has been observed in at least one proband with an ABCB11-related disorder (PMID:32808743). It is absent or not present at a significant frequency in gnomAD. In conclusion, we classify ABCB11 p.Gln875Ter (c.2623C>T) as a pathogenic variant.

Labcorp Genetics (formerly Invitae), Labcorp
Classification: Pathogenic. Last evaluated: 2023-01-17. Review status: criteria provided, single submitter. Criteria: Invitae Variant Classification Sherloc (09022015). Collection method: clinical testing. Allele origin: germline.
Comment: For these reasons, this variant has been classified as Pathogenic. This premature translational stop signal has been observed in individual(s) with ABCB11-related conditions (PMID: 27050426). This variant is not present in population databases (gnomAD no frequency). This sequence change creates a premature translational stop signal (p.Gln875*) in the ABCB11 gene. It is expected to result in an absent or disrupted protein product. Loss-of-function variants in ABCB11 are known to be pathogenic (PMID: 18395098, 20232290).

Literature cited by the submitters: PubMed 32808743 (cited by Genomenon, Inc); PubMed 27050426 (cited by Labcorp Genetics (formerly Invitae), Labcorp); PubMed 18395098 (cited by Labcorp Genetics (formerly Invitae), Labcorp); PubMed 20232290 (cited by Labcorp Genetics (formerly Invitae), Labcorp).

NM_003742.4(ABCB11):c.2623C>T (p.Gln875Ter)

Genes: ABCB11 (ATP binding cassette subfamily B member 11; minus strand), LOC126806400 (CDK7 strongly-dependent group 2 enhancer GRCh37_chr2:169791870-169793069; plus strand). Cytogenetic location: 2q31.1.
Variant type: single nucleotide variant.
Coding change: c.2623C>T on transcript NM_003742.4 (MANE Select); coding-DNA position 2623, C replaced by T.
Protein change: p.Gln875Ter; replaces glutamine 875 with a stop codon.
Molecular consequence: nonsense.
Genome position (GRCh38, 1-based): chr2:168,936,421, G>A on the plus strand (C>T on the coding strand, the complement: ABCB11 is on the minus strand). VCF-style: chr2-168936421-G-A. GRCh37 (hg19) VCF-style: chr2-169792931-G-A.
Other names: short protein forms Q875*.
Identifiers: ClinVar variation 2734326 (VCV002734326.4), dbSNP rs1559184972, ClinGen allele CA349124968.
Genomic context (GRCh38, chr2:168,936,421, plus strand): 5'-AGAAGGCAATGATCATGGCCACAGTGACGTTAGTGAAGGAATTGACTATCATCCCGATCT[G>A]AGAGCCGGCAGCCTGCAAACCAAAAAGCAATCAACCCGTCTCAGACACACAGTCGCTTTT-3'